The following is an entry in ClinVar:

NM_000268.4(NF2):c.1357C>A (p.Gln453Lys)

Gene: NF2 (NF2, moesin-ezrin-radixin like (MERLIN) tumor suppressor; plus strand). Cytogenetic location: 22q12.2.
Variant type: single nucleotide variant.
Coding change: c.1357C>A on transcript NM_000268.4 (MANE Select); coding-DNA position 1357, C replaced by A.
Protein change: p.Gln453Lys; replaces glutamine 453 with lysine.
Molecular consequence: missense variant. On other transcripts: non-coding transcript variant (1), intron variant (1).
Genome position (GRCh38, 1-based): chr22:29,674,852, C>A. VCF-style: chr22-29674852-C-A. GRCh37 (hg19) VCF-style: chr22-30070841-C-A.
Other names: c.1243C>A, p.Gln415Lys (NM_001407053.1, NM_001407056.1); c.1234C>A, p.Gln412Lys (NM_001407054.1, NM_001407058.1, NM_181829.3); c.1231C>A, p.Gln411Lys (NM_001407055.1, NM_181828.3); c.1222C>A, p.Gln408Lys (NM_001407057.1, NM_001407059.1); c.1357C>A, p.Gln453Lys (NM_001407060.1, NM_001407066.1, NM_016418.5 and 2 more transcripts); c.1099C>A, p.Gln367Lys (NM_001407062.1); c.1108C>A, p.Gln370Lys (NM_001407063.1, NM_001407064.1, NM_181830.3 and 1 more transcripts); c.823C>A, p.Gln275Lys (NM_001407065.1); and 2 more; short protein forms Q275K, Q376K, Q408K, Q412K, Q367K, Q370K, Q411K, Q453K.
Identifiers: ClinVar variation 4825426 (VCV004825426.1).
Genomic context (GRCh38, chr22:29,674,852, plus strand): 5'-CCTGCCCTCTTCTGTGAAGCTGACATCTCATCCTTTCCTTGCAGGGCCAAAGAGGCAGAT[C>A]AGCTGAAGCAGGACCTGCAGGAAGCACGCGAGGCGGAGCGAAGAGCCAAGCAGAAGCTCC-3'
Protein context (NP_000259.1, residues 443-463): ESERRAKEAD[Gln453Lys]LKQDLQEARE

ClinVar aggregate classification (germline): Uncertain significance (1 of 4 stars; one submission).

Conditions:
Hereditary cancer-predisposing syndrome. Also called: Neoplastic Syndromes, Hereditary; Tumor predisposition; Hereditary Cancer Syndrome; Hereditary neoplastic syndrome. Identifiers: Orphanet 140162, MedGen C0027672, MeSH D009386, MONDO:0015356.

Submission:

Ambry Genetics
Classification: Uncertain significance for Hereditary cancer-predisposing syndrome. Last evaluated: 2026-01-19. Review status: criteria provided, single submitter. Criteria: Ambry Variant Classification Scheme 2023. Collection method: clinical testing. Allele origin: germline.
Comment: The p.Q453K variant (also known as c.1357C>A), located in coding exon 13 of the NF2 gene, results from a C to A substitution at nucleotide position 1357. The glutamine at codon 453 is replaced by lysine, an amino acid with similar properties. This amino acid position is conserved. In addition, the in silico prediction for this alteration is inconclusive. Based on the available evidence, the clinical significance of this variant remains unclear.